The following is an entry in ClinVar:

ClinVar aggregate classification (germline): Uncertain significance (1 of 4 stars; one submission).

Conditions:
Charcot-Marie-Tooth disease, type I (CMT1). Also called: Charcot-Marie-Tooth disease type 1; Charcot-Marie-Tooth, Type 1. Identifiers: Orphanet 65753, MedGen C0751036, MONDO:0019011.

Allele frequency attached by ClinVar (database versions not stated): gnomAD exomes below 0.00001; TOPMed 0.00001.

Submission:

Labcorp Genetics (formerly Invitae), Labcorp
Classification: Uncertain significance for Charcot-Marie-Tooth disease, type I. Last evaluated: 2016-11-21. Review status: criteria provided, single submitter. Criteria: Invitae Variant Classification Sherloc (09022015). Collection method: clinical testing. Allele origin: germline.
Comment: This sequence change replaces arginine with histidine at codon 246 of the EGR2 protein (p.Arg246His). The arginine residue is moderately conserved and there is a small physicochemical difference between arginine and histidine. This variant is not present in population databases (ExAC no frequency) and has not been reported in the literature in individuals with a EGR2-related disease. Algorithms developed to predict the effect of missense changes on protein structure and function do not agree on the potential impact of this missense change (SIFT: "Tolerated"; PolyPhen-2: "Possibly Damaging"; Align-GVGD: "Class C0"). In summary, this variant is a novel missense change with uncertain impact on protein function. It has been classified as a Variant of Uncertain Significance.

NM_000399.5(EGR2):c.737G>A (p.Arg246His)

Gene: EGR2 (early growth response 2; minus strand). Cytogenetic location: 10q21.3.
Variant type: single nucleotide variant.
Coding change: c.737G>A on transcript NM_000399.5 (MANE Select); coding-DNA position 737, G replaced by A.
Protein change: p.Arg246His; replaces arginine 246 with histidine.
Molecular consequence: missense variant.
Genome position (GRCh38, 1-based): chr10:62,813,901, C>T on the plus strand (G>A on the coding strand, the complement: EGR2 is on the minus strand). VCF-style: chr10-62813901-C-T. GRCh37 (hg19) VCF-style: chr10-64573661-C-T.
Other names: c.737G>A, p.Arg246His (NM_001136177.3, NM_001136178.2); c.587G>A, p.Arg196His (NM_001136179.3, NM_001321037.2); short protein forms R246H, R196H.
Identifiers: ClinVar variation 409980 (VCV000409980.8), dbSNP rs1060502676, ClinGen allele CA16612908.